The following is an entry in ClinVar:

NM_006311.4(NCOR1):c.3079A>G (p.Thr1027Ala)

Gene: NCOR1 (nuclear receptor corepressor 1; minus strand). Cytogenetic location: 17p12.
Variant type: single nucleotide variant.
Coding change: c.3079A>G on transcript NM_006311.4 (MANE Select); coding-DNA position 3079, A replaced by G.
Protein change: p.Thr1027Ala; replaces threonine 1027 with alanine.
Molecular consequence: missense variant.
Genome position (GRCh38, 1-based): chr17:16,086,380, T>C on the plus strand (A>G on the coding strand, the complement: NCOR1 is on the minus strand). VCF-style: chr17-16086380-T-C. GRCh37 (hg19) VCF-style: chr17-15989694-T-C.
Other names: c.3127A>G, p.Thr1043Ala (NM_001190440.2); short protein forms T1027A, T1043A.
Identifiers: ClinVar variation 3347824 (VCV003347824.1).

ClinVar aggregate classification (germline): Uncertain significance (0 of 4 stars; one submission).

Conditions:
NCOR1-related disorder. Also called: NCOR1-related condition.

Submission:

PreventionGenetics, part of Exact Sciences
Classification: Uncertain significance for NCOR1-related condition. Last evaluated: 2024-08-15. Review status: no assertion criteria provided. Collection method: clinical testing. Allele origin: germline.
Comment: The NCOR1 c.3079A>G variant is predicted to result in the amino acid substitution p.Thr1027Ala. To our knowledge, this variant has not been reported in the literature or in a large population database, indicating this variant is rare. At this time, the clinical significance of this variant is uncertain due to the absence of conclusive functional and genetic evidence.